The following is an entry in ClinVar:

NM_007272.3(CTRC):c.635G>A (p.Cys212Tyr)

Gene: CTRC (chymotrypsin C; plus strand). Cytogenetic location: 1p36.21.
Variant type: single nucleotide variant.
Coding change: c.635G>A on transcript NM_007272.3 (MANE Select); coding-DNA position 635, G replaced by A.
Protein change: p.Cys212Tyr; replaces cysteine 212 with tyrosine.
Molecular consequence: missense variant.
Genome position (GRCh38, 1-based): chr1:15,444,747, G>A. VCF-style: chr1-15444747-G-A. GRCh37 (hg19) VCF-style: chr1-15771242-G-A.
Other names: short protein forms C212Y.
Identifiers: ClinVar variation 1753046 (VCV001753046.7), dbSNP rs2526301547, ClinGen allele CA338567581.

ClinVar aggregate classification (germline): Uncertain significance. Review status: criteria provided, multiple submitters, no conflicts (2 of 4 stars). 2 submissions from 2 submitters: Uncertain significance (2). Last evaluated 2025-05-23.

Conditions:
Hereditary pancreatitis (PCTT). Also called: Hereditary chronic pancreatitis; PRSS1-Related Hereditary Pancreatitis. Identifiers: Orphanet 676, MedGen C0238339, MONDO:0008185, OMIM 167800.

Allele frequency attached by ClinVar (database versions not stated): gnomAD exomes below 0.00001.

Submissions (2):

Ambry Genetics
Classification: Uncertain significance for Hereditary pancreatitis. Last evaluated: 2025-05-23. Review status: criteria provided, single submitter. Criteria: Ambry Variant Classification Scheme 2023. Collection method: clinical testing. Allele origin: germline.
Comment: The p.C212Y variant (also known as c.635G>A), located in coding exon 6 of the CTRC gene, results from a G to A substitution at nucleotide position 635. The cysteine at codon 212 is replaced by tyrosine, an amino acid with highly dissimilar properties. This amino acid position is highly conserved in available vertebrate species. In addition, this alteration is predicted to be deleterious by in silico analysis. Since supporting evidence is limited at this time, the clinical significance of this alteration remains unclear.

Labcorp Genetics (formerly Invitae), Labcorp
Classification: Uncertain significance for Hereditary pancreatitis. Last evaluated: 2023-02-09. Review status: criteria provided, single submitter. Criteria: Invitae Variant Classification Sherloc (09022015). Collection method: clinical testing. Allele origin: germline.
Comment: Advanced modeling of protein sequence and biophysical properties (such as structural, functional, and spatial information, amino acid conservation, physicochemical variation, residue mobility, and thermodynamic stability) performed at Invitae indicates that this missense variant is expected to disrupt CTRC protein function. ClinVar contains an entry for this variant (Variation ID: 1753046). This variant has not been reported in the literature in individuals affected with CTRC-related conditions. This variant is not present in population databases (gnomAD no frequency). This sequence change replaces cysteine, which is neutral and slightly polar, with tyrosine, which is neutral and polar, at codon 212 of the CTRC protein (p.Cys212Tyr). In summary, the available evidence is currently insufficient to determine the role of this variant in disease. Therefore, it has been classified as a Variant of Uncertain Significance.